The following is an entry in ClinVar:

ClinVar aggregate classification (germline): Uncertain significance (1 of 4 stars; one submission).

Allele frequency attached by ClinVar (database versions not stated): gnomAD exomes below 0.00001.

Submission:

Labcorp Genetics (formerly Invitae), Labcorp
Classification: Uncertain significance. Last evaluated: 2022-07-06. Review status: criteria provided, single submitter. Criteria: Invitae Variant Classification Sherloc (09022015). Collection method: clinical testing. Allele origin: germline.
Comment: Algorithms developed to predict the effect of missense changes on protein structure and function output the following: SIFT: "Not Available"; PolyPhen-2: "Benign"; Align-GVGD: "Not Available". The isoleucine amino acid residue is found in multiple mammalian species, which suggests that this missense change does not adversely affect protein function. This sequence change replaces valine, which is neutral and non-polar, with isoleucine, which is neutral and non-polar, at codon 361 of the PNLIP protein (p.Val361Ile). This variant is not present in population databases (gnomAD no frequency). This variant has not been reported in the literature in individuals affected with PNLIP-related conditions. In summary, the available evidence is currently insufficient to determine the role of this variant in disease. Therefore, it has been classified as a Variant of Uncertain Significance.

NM_000936.4(PNLIP):c.1081G>A (p.Val361Ile)

Gene: PNLIP (pancreatic lipase; plus strand). Cytogenetic location: 10q25.3.
Variant type: single nucleotide variant.
Coding change: c.1081G>A on transcript NM_000936.4 (MANE Select); coding-DNA position 1081, G replaced by A.
Protein change: p.Val361Ile; replaces valine 361 with isoleucine.
Molecular consequence: missense variant.
Genome position (GRCh38, 1-based): chr10:116,560,436, G>A. VCF-style: chr10-116560436-G-A. GRCh37 (hg19) VCF-style: chr10-118319948-G-A.
Other names: short protein forms V361I.
Identifiers: ClinVar variation 2014695 (VCV002014695.4), dbSNP rs2493062644, ClinGen allele CA378497897.